The following is an entry in ClinVar:

NM_058179.4(PSAT1):c.357del (p.Thr120fs)

Gene: PSAT1 (phosphoserine aminotransferase 1; plus strand). Cytogenetic location: 9q21.2.
Variant type: Deletion.
Coding change: c.357del on transcript NM_058179.4 (MANE Select); coding-DNA position 357, one base deleted (G; older notation c.357delG).
Protein change: p.Thr120fs; shifts the reading frame from threonine 120.
Molecular consequence: frameshift variant.
Genome position (GRCh38, 1-based): chr9:78,304,900, G deleted; the last of 3 consecutive G bases (chr9:78,304,898-78,304,900); deleting any one gives the same sequence. VCF-style (leftmost placement, unchanged base first): chr9-78304897-TG-T. GRCh37 (hg19) VCF-style: chr9-80919813-TG-T.
Other names: c.357del, p.Thr120fs (NM_021154.5); short protein forms T120fs.
Identifiers: ClinVar variation 2722660 (VCV002722660.3), dbSNP rs2489640547, ClinGen allele CA2579362210.

ClinVar aggregate classification (germline): Pathogenic (1 of 4 stars; one submission).

Conditions:
Neu-Laxova syndrome 2. Identifiers: Orphanet 2671, Orphanet 583602, MedGen C4015019, MONDO:0014466, OMIM 616038.

Submission:

Labcorp Genetics (formerly Invitae), Labcorp
Classification: Pathogenic for Neu-Laxova syndrome 2. Last evaluated: 2023-10-03. Review status: criteria provided, single submitter. Criteria: Invitae Variant Classification Sherloc (09022015). Collection method: clinical testing. Allele origin: germline.
Comment: This sequence change creates a premature translational stop signal (p.Thr120Leufs*2) in the PSAT1 gene. It is expected to result in an absent or disrupted protein product. Loss-of-function variants in PSAT1 are known to be pathogenic (PMID: 17436247, 25152457). This variant is not present in population databases (gnomAD no frequency). This variant has not been reported in the literature in individuals affected with PSAT1-related conditions. For these reasons, this variant has been classified as Pathogenic.

Literature cited by the submitters: PubMed 17436247; PubMed 25152457.